The following is an entry in ClinVar:

ClinVar aggregate classification (germline): Conflicting classifications of pathogenicity. Review status: criteria provided, conflicting classifications (1 of 4 stars). 10 submissions from 10 submitters: Uncertain significance (1); Benign (4); Likely benign (5). Last evaluated 2026-07-13.

Conditions:
Intellectual disability, autosomal dominant 16 (CSS4). Also called: COFFIN-SIRIS SYNDROME 4. Identifiers: Orphanet 1465, MedGen C3553249, MONDO:0013821, OMIM 614609.
Rhabdoid tumor predisposition syndrome 2 (RTPS2). Identifiers: Orphanet 231108, Orphanet 69077, MedGen C2750074, MONDO:0013224, OMIM 613325.
Coffin-Siris syndrome. Identifiers: Orphanet 1465, MedGen C0265338, MONDO:0015452.
Hereditary cancer-predisposing syndrome. Also called: Neoplastic Syndromes, Hereditary; Tumor predisposition; Hereditary Cancer Syndrome; Hereditary neoplastic syndrome. Identifiers: Orphanet 140162, MedGen C0027672, MeSH D009386, MONDO:0015356.

Allele frequency attached by ClinVar (database versions not stated): gnomAD exomes 0.00009 and 0.00012; gnomAD 0.00010 and 0.00011; TOPMed 0.00019; ExAC 0.00008; ESP Exome Variant Server 0.00008.
gnomAD v4.1: 189 of 1,613,984 alleles (0.012%); highest among the groups gnomAD compares: Admixed American, 0.04%; no homozygotes.

Submissions (10):

Myriad Genetics, Inc.
Classification: Benign for Rhabdoid tumor predisposition syndrome 2. Last evaluated: 2026-07-13. Review status: criteria provided, single submitter. Criteria: Myriad Autosomal Dominant, Autosomal Recessive and X-Linked Classification Criteria (2023). Collection method: clinical testing. Allele origin: unknown.
Comment: This variant is considered benign. This variant is a silent/synonymous amino acid change and it is not expected to impact splicing.

CeGaT Center for Human Genetics Tuebingen
Classification: Likely benign. Last evaluated: 2026-04-01. Review status: criteria provided, single submitter. Criteria: CeGaT Center For Human Genetics Tuebingen Variant Classification Criteria Version 2. Collection method: clinical testing. Allele origin: germline. Affected: yes. Observed: 2 variant alleles.
Comment: SMARCA4: BP4, BP7

Labcorp Genetics (formerly Invitae), Labcorp
Classification: Benign for Rhabdoid tumor predisposition syndrome 2. Last evaluated: 2026-01-25. Review status: criteria provided, single submitter. Criteria: Invitae Variant Classification Sherloc (09022015). Collection method: clinical testing. Allele origin: germline.

Ambry Genetics
Classification: Likely benign for Hereditary cancer-predisposing syndrome. Last evaluated: 2024-04-23. Review status: criteria provided, single submitter. Criteria: Ambry Variant Classification Scheme 2023. Collection method: clinical testing. Allele origin: germline.

Quest Diagnostics Nichols Institute San Juan Capistrano
Classification: Benign. Last evaluated: 2023-08-28. Review status: criteria provided, single submitter. Criteria: Quest Diagnostics criteria. Collection method: clinical testing. Allele origin: unknown.

Genome-Nilou Lab
Classification: Likely benign for Intellectual disability, autosomal dominant 16. Last evaluated: 2021-07-15. Review status: criteria provided, single submitter. Criteria: ACMG Guidelines, 2015. Collection method: clinical testing. Allele origin: germline. Affected: no.

Sema4
Classification: Likely benign for Hereditary cancer-predisposing syndrome. Last evaluated: 2020-07-07. Review status: criteria provided, single submitter. Criteria: Sema4 Curation Guidelines. Collection method: curation. Allele origin: germline.

GeneDx
Classification: Likely benign. Last evaluated: 2020-02-17. Review status: criteria provided, single submitter. Criteria: GeneDx Variant Classification Process June 2021. Collection method: clinical testing. Allele origin: germline. Affected: yes.

Illumina Laboratory Services, Illumina
Classification: Benign for Coffin-Siris syndrome. Last evaluated: 2017-04-28. Review status: criteria provided, single submitter. Criteria: ICSL Variant Classification Criteria 13 December 2019. Collection method: clinical testing. Allele origin: germline.
Comment: This variant was observed as part of a predisposition screen in an ostensibly healthy population. A literature search was performed for the gene, cDNA change, and amino acid change (where applicable). No publications were found based on this search. Allele frequency data from public databases was too high to be consistent with this variant causing disease. Therefore, this variant is classified as benign.

Genetic Services Laboratory, University of Chicago
Classification: Uncertain significance. Last evaluated: 2015-05-27. Review status: criteria provided, single submitter. Criteria: ACMG Guidelines, 2015. Collection method: clinical testing. Allele origin: germline.

NM_003072.5(SMARCA4):c.2460C>T (p.Tyr820=)

Gene: SMARCA4 (SWI/SNF related BAF chromatin remodeling complex subunit ATPase 4; plus strand). Cytogenetic location: 19p13.2.
Variant type: single nucleotide variant.
Coding change: c.2460C>T on transcript NM_003072.5 (MANE Select); coding-DNA position 2460, C replaced by T.
Protein change: p.Tyr820=; no amino-acid change (tyrosine 820 retained).
Molecular consequence: synonymous variant. On other transcripts: non-coding transcript variant (1).
Genome position (GRCh38, 1-based): chr19:11,018,978, C>T. VCF-style: chr19-11018978-C-T. GRCh37 (hg19) VCF-style: chr19-11129654-C-T.
Other names: c.2460C>T, p.Tyr820= (NM_001128844.3, NM_001128845.2, NM_001128846.2 and 5 more transcripts).
Identifiers: ClinVar variation 212242 (VCV000212242.31), dbSNP rs372410282, ClinGen allele CA205718.